The following is an entry in ClinVar:

NM_016333.4(SRRM2):c.8136-2A>T

Gene: SRRM2 (serine/arginine repetitive matrix 2; plus strand). Cytogenetic location: 16p13.3.
Variant type: single nucleotide variant.
Coding change: c.8136-2A>T on transcript NM_016333.4 (MANE Select); the canonical splice acceptor site of the intron before coding-DNA position 8136, A replaced by T.
Molecular consequence: splice acceptor variant.
Genome position (GRCh38, 1-based): chr16:2,770,602, A>T. VCF-style: chr16-2770602-A-T. GRCh37 (hg19) VCF-style: chr16-2820603-A-T.
Identifiers: ClinVar variation 4819566 (VCV004819566.2).

ClinVar aggregate classification (germline): Conflicting classifications of pathogenicity. Review status: criteria provided, conflicting classifications (1 of 4 stars). 2 submissions from 2 submitters: Uncertain significance (1); Likely benign (1). Last evaluated 2026-03-25.

Conditions:
Intellectual developmental disorder, autosomal dominant 72 (MRD72). Identifiers: Orphanet 652487, MedGen C5830612, MONDO:0957397, OMIM 620439.

Submissions (2):

Women's Health and Genetics/Laboratory Corporation of America, LabCorp
Classification: Uncertain significance. Last evaluated: 2026-03-25. Review status: criteria provided, single submitter. Criteria: LabCorp Variant Classification Summary - May 2015. Collection method: clinical testing. Allele origin: germline.
Comment: Variant summary: SRRM2 c.8136-2A>T is located in a canonical splice-site and is predicted to affect mRNA splicing resulting in a significantly altered protein due to either exon skipping, shortening, or inclusion of intronic material. Variants that disrupt the consensus splice site are a relatively common cause of aberrant splicing and loss of SRRM2 function. Several computational tools predict a significant impact on normal splicing: four predict the variant abolishes a canonical 3' acceptor site, and strengthens a cryptic 3' acceptor site, which is located 3 nucleotides downstream from the original site (if used, the alternate splicing acceptor site is predicted to result in an in frame loss of one Ser residue from a run of 4 consecutive serines). However, these predictions have yet to be confirmed by functional studies. The variant allele was found at a frequency of 1.5e-05 in 1545074 control chromosomes, predominantly at a frequency of 0.00021 within the South Asian subpopulation in the gnomAD database. The occurrence in several carriers suggests that this variant is likely not associated with a high penetrance, severe, early onset disease phenotype in heterozygous state. The variant, c.8136-2A>T, has been observed in two individuals with schizophrenia, without strong evidence of causality (example: Liu_2023). These reports do not provide unequivocal conclusions about association of the variant with Intellectual Developmental Disorder, Autosomal Dominant 72. To our knowledge, no experimental evidence demonstrating an impact on protein function has been reported. The following publication has been ascertained in the context of this evaluation (PMID: 36914870). No submitters have cited clinical-significance assessments for this variant to ClinVar. Based on the evidence outlined above, the variant was classified as uncertain significance.

Centre for Medical Genetics,  Mumbai
Classification: Likely benign for Intellectual developmental disorder, autosomal dominant 72. Last evaluated: 2026-02-27. Review status: criteria provided, single submitter. Criteria: ACMG Guidelines, 2015. Collection method: provider interpretation. Allele origin: germline. Inheritance: Autosomal dominant inheritance. Affected: no. Observed: 1 variant allele, 1 heterozygote.
Comment: The variant satisfies PM2 criteria; Extremely low frequency in gnomAD population databases. The variant satisfies PVS1 criteria; Null variant in a gene where loss of function is a known mechanism of disease. The variant satisfies PP5 criteria; Reputable source recently reports variant as pathogenic, but the evidence is not available to the laboratory to perform an independent evaluation. However, the variant satisfies BS2 criteria.

Literature cited by the submitters: PubMed 36914870 (cited by Women's Health and Genetics/Laboratory Corporation of America, LabCorp); PubMed 35567594 (cited by Centre for Medical Genetics,  Mumbai).